The following is an entry in ClinVar:

NM_001994.3(F13B):c.1935A>T (p.Arg645Ser)

Gene: F13B (coagulation factor XIII B chain; minus strand). Cytogenetic location: 1q31.3.
Variant type: single nucleotide variant.
Coding change: c.1935A>T on transcript NM_001994.3 (MANE Select); coding-DNA position 1935, A replaced by T.
Protein change: p.Arg645Ser; replaces arginine 645 with serine.
Molecular consequence: missense variant.
Genome position (GRCh38, 1-based): chr1:197,040,539, T>A on the plus strand (A>T on the coding strand, the complement: F13B is on the minus strand). VCF-style: chr1-197040539-T-A. GRCh37 (hg19) VCF-style: chr1-197009669-T-A.
Other names: short protein forms R645S.
Identifiers: ClinVar variation 875613 (VCV000875613.8), dbSNP rs149091258, ClinGen allele CA1308211.

ClinVar aggregate classification (germline): Uncertain significance. Review status: criteria provided, multiple submitters, no conflicts (2 of 4 stars). 4 submissions from 4 submitters: Uncertain significance (3). 1 of the submissions does not count toward it. Last evaluated 2025-04-11.

Conditions:
Inborn genetic diseases. Identifiers: MedGen C0950123, MeSH D030342.
Factor XIII, b subunit, deficiency of. Also called: Factor XIII subunit B deficiency. Identifiers: Orphanet 331, MedGen C2750481, MONDO:0013190, OMIM 613235, HP:0040234.
F13B-related disorder. Also called: F13B-related condition.

Allele frequency attached by ClinVar (database versions not stated): gnomAD exomes 0.00018; ExAC 0.00020; ESP Exome Variant Server 0.00077; gnomAD 0.00095 and 0.00104; 1000 Genomes Project 0.00100; 1000 Genomes Project 30x 0.00109; TOPMed 0.00127.
gnomAD v4.1: 278 of 1,610,296 alleles (0.017%); highest among the groups gnomAD compares: African/African-American, 0.34%; no homozygotes.

Submissions (4):

Ambry Genetics
Classification: Uncertain significance for Inborn genetic diseases. Last evaluated: 2025-04-11. Review status: criteria provided, single submitter. Criteria: Ambry Variant Classification Scheme 2023. Collection method: clinical testing. Allele origin: germline.

Women's Health and Genetics/Laboratory Corporation of America, LabCorp
Classification: Uncertain significance. Last evaluated: 2023-12-01. Review status: criteria provided, single submitter. Criteria: LabCorp Variant Classification Summary - May 2015. Collection method: clinical testing. Allele origin: germline.
Comment: Variant summary: F13B c.1935A>T (p.Arg645Ser) results in a non-conservative amino acid change in the encoded protein sequence. Three of five in-silico tools predict a benign effect of the variant on protein function. The variant allele was found at a frequency of 0.00018 in 250576 control chromosomes. To our knowledge, no occurrence of c.1935A>T in individuals affected with Factor XIII, B Subunit, Deficiency Of and no experimental evidence demonstrating its impact on protein function have been reported. One submitter has cited clinical-significance assessments for this variant to ClinVar after 2014 and has classified the variant as uncertain significance. Based on the evidence outlined above, the variant was classified as uncertain significance.

Illumina Laboratory Services, Illumina
Classification: Uncertain significance for Factor XIII, b subunit, deficiency of. Last evaluated: 2018-01-13. Review status: criteria provided, single submitter. Criteria: ICSL Variant Classification Criteria 13 December 2019. Collection method: clinical testing. Allele origin: germline.

PreventionGenetics, part of Exact Sciences
Classification: Likely benign for F13B-related condition. Last evaluated: 2023-06-07. Review status: no assertion criteria provided. Collection method: clinical testing. Allele origin: germline. Not counted in ClinVar's aggregate classification.
Comment: This variant is classified as likely benign based on ACMG/AMP sequence variant interpretation guidelines (Richards et al. 2015 PMID: 25741868, with internal and published modifications).